The following is an entry in ClinVar:

ClinVar aggregate classification (germline): Uncertain significance (1 of 4 stars; one submission).

Conditions:
Bethlem myopathy 1A. Also called: Bethlem Muscular Dystrophy; Bethlem myopathy 1; MYOPATHY, BENIGN CONGENITAL, WITH CONTRACTURES. Identifiers: Orphanet 610, MedGen CN029274, MONDO:0024530, OMIM 158810.

Submission:

Labcorp Genetics (formerly Invitae), Labcorp
Classification: Uncertain significance for Bethlem myopathy 1A. Last evaluated: 2022-10-17. Review status: criteria provided, single submitter. Criteria: Invitae Variant Classification Sherloc (09022015). Collection method: clinical testing. Allele origin: germline.
Comment: This variant is not present in population databases (gnomAD no frequency). This sequence change replaces aspartic acid, which is acidic and polar, with glycine, which is neutral and non-polar, at codon 1350 of the COL6A3 protein (p.Asp1350Gly). In summary, the available evidence is currently insufficient to determine the role of this variant in disease. Therefore, it has been classified as a Variant of Uncertain Significance. Advanced modeling of protein sequence and biophysical properties (such as structural, functional, and spatial information, amino acid conservation, physicochemical variation, residue mobility, and thermodynamic stability) performed at Invitae indicates that this missense variant is expected to disrupt COL6A3 protein function. This variant has not been reported in the literature in individuals affected with COL6A3-related conditions.

NM_004369.4(COL6A3):c.4049A>G (p.Asp1350Gly)

Gene: COL6A3 (collagen type VI alpha 3 chain; minus strand). Cytogenetic location: 2q37.3.
Variant type: single nucleotide variant.
Coding change: c.4049A>G on transcript NM_004369.4 (MANE Select); coding-DNA position 4049, A replaced by G.
Protein change: p.Asp1350Gly; replaces aspartic acid 1350 with glycine.
Molecular consequence: missense variant.
Genome position (GRCh38, 1-based): chr2:237,371,968, T>C on the plus strand (A>G on the coding strand, the complement: COL6A3 is on the minus strand). VCF-style: chr2-237371968-T-C. GRCh37 (hg19) VCF-style: chr2-238280611-T-C.
Other names: c.2828A>G, p.Asp943Gly (NM_057164.5); c.3431A>G, p.Asp1144Gly (NM_057165.5, NM_057167.4); c.2228A>G, p.Asp743Gly (NM_057166.5); short protein forms D1350G, D943G, D743G, D1144G.
Identifiers: ClinVar variation 2147363 (VCV002147363.4), dbSNP rs2469896872, ClinGen allele CA351197242.